The following is an entry in ClinVar:

ClinVar aggregate classification (germline): Uncertain significance (1 of 4 stars; one submission).

Conditions:
Hereditary spastic paraplegia 50 (SPG50). Also called: Spastic paraplegia 50, autosomal recessive. Identifiers: Orphanet 280763, MedGen C2752008, MONDO:0013048, OMIM 612936.

Allele frequency attached by ClinVar (database versions not stated): gnomAD 0.00003 and 0.00004; TOPMed 0.00004; 1000 Genomes Project 30x 0.00016; 1000 Genomes Project 0.00020.

Submission:

Labcorp Genetics (formerly Invitae), Labcorp
Classification: Uncertain significance for Hereditary spastic paraplegia 50. Last evaluated: 2016-08-03. Review status: criteria provided, single submitter. Criteria: Invitae Variant Classification Sherloc (09022015). Collection method: clinical testing. Allele origin: germline.
Comment: This sequence change replaces histidine with tyrosine at codon 55 of the AP4M1 protein (p.His55Tyr). The histidine residue is highly conserved and there is a moderate physicochemical difference between histidine and tyrosine. This variant is present in population databases (rs578114705, ExAC 0.03%) but has not been reported in the literature in individuals with a AP4M1-related disease. In summary, this variant is a rare missense change that is not predicted to affect protein function. There is no indication that it causes disease, but the available evidence is currently insufficient to prove that conclusively. Therefore, it has been classified as a Variant of Uncertain Significance. Algorithms developed to predict the effect of missense changes on protein structure and function (SIFT, PolyPhen-2, Align-GVGD) all suggest that this variant is likely to be tolerated, but these predictions have not been confirmed by published functional studies.

NM_004722.4(AP4M1):c.163C>T (p.His55Tyr)

Gene: AP4M1 (adaptor related protein complex 4 subunit mu 1; plus strand). Cytogenetic location: 7q22.1.
Variant type: single nucleotide variant.
Coding change: c.163C>T on transcript NM_004722.4 (MANE Select); coding-DNA position 163, C replaced by T.
Protein change: p.His55Tyr; replaces histidine 55 with tyrosine.
Molecular consequence: missense variant.
Genome position (GRCh38, 1-based): chr7:100,102,690, C>T. VCF-style: chr7-100102690-C-T. GRCh37 (hg19) VCF-style: chr7-99700313-C-T.
Other names: c.184C>T, p.His62Tyr (NM_001363671.2); short protein forms H55Y, H62Y.
Identifiers: ClinVar variation 412222 (VCV000412222.10), dbSNP rs578114705, ClinGen allele CA4374496.